The following is an entry in ClinVar:

NM_017841.4(SDHAF2):c.199del (p.Arg67fs)

Gene: SDHAF2 (succinate dehydrogenase complex assembly factor 2; plus strand). Cytogenetic location: 11q12.2.
Variant type: Deletion.
Coding change: c.199del on transcript NM_017841.4 (MANE Select); coding-DNA position 199, one base deleted (A; older notation c.199delA).
Protein change: p.Arg67fs; shifts the reading frame from arginine 67.
Molecular consequence: frameshift variant.
Genome position (GRCh38, 1-based): chr11:61,437,787, A deleted; the last of 4 consecutive A bases (chr11:61,437,784-61,437,787); deleting any one gives the same sequence. VCF-style (leftmost placement, unchanged base first): chr11-61437783-CA-C. GRCh37 (hg19) VCF-style: chr11-61205255-CA-C.
Other names: c.199delA (NM_017841.2); short protein forms R67fs.
Identifiers: ClinVar variation 835577 (VCV000835577.12), dbSNP rs949388785, ClinGen allele CA222877338.

ClinVar aggregate classification (germline): Pathogenic/Likely pathogenic. Review status: criteria provided, multiple submitters, no conflicts (2 of 4 stars). 3 submissions from 3 submitters: Pathogenic (2); Likely pathogenic (1). Last evaluated 2025-10-11.

Conditions:
Hereditary cancer-predisposing syndrome. Also called: Hereditary Cancer Syndrome; Tumor predisposition; Neoplastic Syndromes, Hereditary; Hereditary neoplastic syndrome. Identifiers: Orphanet 140162, MedGen C0027672, MeSH D009386, MONDO:0015356.
Hereditary pheochromocytoma and paraganglioma. Also called: Hereditary pheochromocytoma-paraganglioma; Hereditary paragangliomas and pheochromocytomas; Hereditary Paraganglioma-Pheochromocytoma Syndromes. Identifiers: Orphanet 29072, MedGen C4274332, MONDO:0017366.

Submissions (3):

GeneDx
Classification: Likely pathogenic. Last evaluated: 2025-10-11. Review status: criteria provided, single submitter. Criteria: GeneDx Variant Classification Process June 2021. Collection method: clinical testing. Allele origin: germline. Affected: yes.
Comment: Frameshift variant predicted to result in protein truncation or nonsense mediated decay in a gene for which loss of function is a known mechanism of disease; Not observed at significant frequency in large population cohorts (gnomAD); Has not been previously published as pathogenic or benign to our knowledge; This variant is associated with the following publications: (PMID: 40974092)

Labcorp Genetics (formerly Invitae), Labcorp
Classification: Pathogenic for Hereditary pheochromocytoma and paraganglioma. Last evaluated: 2024-12-16. Review status: criteria provided, single submitter. Criteria: Invitae Variant Classification Sherloc (09022015). Collection method: clinical testing. Allele origin: germline.
Comment: This sequence change creates a premature translational stop signal (p.Arg67Glufs*31) in the SDHAF2 gene. It is expected to result in an absent or disrupted protein product. Loss-of-function variants in SDHAF2 are known to be pathogenic (PMID: 22241717, 26096992). This variant is not present in population databases (gnomAD no frequency). This variant has not been reported in the literature in individuals affected with SDHAF2-related conditions. ClinVar contains an entry for this variant (Variation ID: 835577). For these reasons, this variant has been classified as Pathogenic.

Ambry Genetics
Classification: Pathogenic for Hereditary cancer-predisposing syndrome. Last evaluated: 2023-08-09. Review status: criteria provided, single submitter. Criteria: Ambry Variant Classification Scheme 2023. Collection method: clinical testing. Allele origin: germline.
Comment: The c.199delA pathogenic mutation, located in coding exon 2 of the SDHAF2 gene, results from a deletion of one nucleotide at nucleotide position 199, causing a translational frameshift with a predicted alternate stop codon (p.R67Efs*31). This variant is considered to be rare based on population cohorts in the Genome Aggregation Database (gnomAD). This alteration is expected to result in loss of function by premature protein truncation or nonsense-mediated mRNA decay. As such, this alteration is interpreted as a disease-causing mutation.

Literature cited by the submitters: PubMed 22241717 (cited by Labcorp Genetics (formerly Invitae), Labcorp); PubMed 26096992 (cited by Labcorp Genetics (formerly Invitae), Labcorp).